The following is an entry in ClinVar:

NM_020778.5(ALPK3):c.3491G>A (p.Arg1164Gln)

Gene: ALPK3 (alpha kinase 3; plus strand). Cytogenetic location: 15q25.3.
Variant type: single nucleotide variant.
Coding change: c.3491G>A on transcript NM_020778.5 (MANE Select); coding-DNA position 3491, G replaced by A.
Protein change: p.Arg1164Gln; replaces arginine 1164 with glutamine.
Molecular consequence: missense variant.
Genome position (GRCh38, 1-based): chr15:84,858,229, G>A. VCF-style: chr15-84858229-G-A. GRCh37 (hg19) VCF-style: chr15-85401460-G-A.
Other names: c.4097G>A (NM_020778.4); short protein forms R1164Q.
Identifiers: ClinVar variation 1393022 (VCV001393022.11), dbSNP rs1291790142, ClinGen allele CA393360363.

ClinVar aggregate classification (germline): Uncertain significance. Review status: criteria provided, multiple submitters, no conflicts (2 of 4 stars). 4 submissions from 4 submitters: Uncertain significance (4). Last evaluated 2025-05-25.

Conditions:
Cardiomyopathy, familial hypertrophic 27. Identifiers: MedGen C4748014, MONDO:0054838, OMIM 618052.
Cardiovascular phenotype. Identifiers: MedGen CN230736.

Allele frequency attached by ClinVar (database versions not stated): gnomAD exomes 0.00001.
gnomAD v4.1: 8 of 1,610,468 alleles (0.0005%); highest among the groups gnomAD compares: South Asian, 0.0044%; no homozygotes.

Submissions (4):

Labcorp Genetics (formerly Invitae), Labcorp
Classification: Uncertain significance. Last evaluated: 2025-05-25. Review status: criteria provided, single submitter. Criteria: Invitae Variant Classification Sherloc (09022015). Collection method: clinical testing. Allele origin: germline.
Comment: This sequence change replaces arginine, which is basic and polar, with glutamine, which is neutral and polar, at codon 1366 of the ALPK3 protein (p.Arg1366Gln). This variant is not present in population databases (gnomAD no frequency). This missense change has been observed in individual(s) with ALPK3-related conditions (PMID: 36660067, 38002985). This variant is also known as c.3491G>A (p.Arg1164Gln). ClinVar contains an entry for this variant (Variation ID: 1393022). Invitae Evidence Modeling of protein sequence and biophysical properties (such as structural, functional, and spatial information, amino acid conservation, physicochemical variation, residue mobility, and thermodynamic stability) indicates that this missense variant is expected to disrupt ALPK3 protein function with a positive predictive value of 80%. In summary, the available evidence is currently insufficient to determine the role of this variant in disease. Therefore, it has been classified as a Variant of Uncertain Significance.

Ambry Genetics
Classification: Uncertain significance for Cardiovascular phenotype. Last evaluated: 2024-07-10. Review status: criteria provided, single submitter. Criteria: Ambry Variant Classification Scheme 2023. Collection method: clinical testing. Allele origin: germline.

Blueprint Genetics
Classification: Uncertain significance. Last evaluated: 2023-11-16. Review status: criteria provided, single submitter. Criteria: ACMG Guidelines, 2015. Collection method: clinical testing. Allele origin: germline.

Juno Genomics, Hangzhou Juno Genomics, Inc
Classification: Uncertain significance for Cardiomyopathy, familial hypertrophic 27. Review status: criteria provided, single submitter. Criteria: ACMG Guidelines, 2015. Collection method: clinical testing. Allele origin: germline. Affected: yes.
Comment: Absent from controls (or at extremely low frequency if recessive) in Genome Aggregation Database, Exome Sequencing Project, 1000 Genomes Project, or Exome Aggregation Consortium.;For recessive disorders, detected in trans with a pathogenic variant.;Patient's phenotype or family history is highly specific for a disease with a single genetic etiology.

Literature cited by the submitters: PubMed 36660067 (cited by Labcorp Genetics (formerly Invitae), Labcorp); PubMed 38002985 (cited by Labcorp Genetics (formerly Invitae), Labcorp).